The following is an entry in ClinVar:

NM_024642.5(GALNT12):c.918-9C>T

Gene: GALNT12 (polypeptide N-acetylgalactosaminyltransferase 12; plus strand). Cytogenetic location: 9q22.33.
Variant type: single nucleotide variant.
Coding change: c.918-9C>T on transcript NM_024642.5 (MANE Select); 9 bases into the intron before coding-DNA position 918, C replaced by T.
Molecular consequence: intron variant.
Genome position (GRCh38, 1-based): chr9:98,835,240, C>T. VCF-style: chr9-98835240-C-T. GRCh37 (hg19) VCF-style: chr9-101597522-C-T.
Identifiers: ClinVar variation 4875790 (VCV004875790.1).

ClinVar aggregate classification (germline): Likely benign (1 of 4 stars; one submission).

Conditions:
Colorectal cancer, susceptibility to, 1. Also called: COLORECTAL ADENOMA AND CANCER, SUSCEPTIBILITY TO; COLORECTAL CANCER, SUSCEPTIBILITY TO, ON CHROMOSOME 9. Identifiers: MedGen C1837315, MONDO:0012132, OMIM 608812.

Submission:

Myriad Genetics, Inc.
Classification: Likely benign for Colorectal cancer, susceptibility to, 1. Last evaluated: 2026-04-21. Review status: criteria provided, single submitter. Criteria: Myriad Autosomal Dominant, Autosomal Recessive and X-Linked Classification Criteria (2023). Collection method: clinical testing. Allele origin: unknown.
Comment: This variant is considered likely benign. This variant is intronic and is not expected to impact mRNA splicing.